The following is an entry in ClinVar:

ClinVar aggregate classification (germline): Uncertain significance (1 of 4 stars; one submission).

Submission:

Ambry Genetics
Classification: Uncertain significance. Last evaluated: 2026-04-12. Review status: criteria provided, single submitter. Criteria: Ambry Variant Classification Scheme 2023. Collection method: clinical testing. Allele origin: germline.
Comment: The p.Q431H variant (also known as c.1293A>C), located in coding exon 13 of the SRP72 gene, results from an A to C substitution at nucleotide position 1293. The glutamine at codon 431 is replaced by histidine, an amino acid with highly similar properties. This amino acid position is conserved. In addition, this alteration is predicted to be tolerated by in silico analysis. Based on the available evidence, the clinical significance of this variant remains unclear.

NM_006947.4(SRP72):c.1293A>C (p.Gln431His)

Gene: SRP72 (signal recognition particle 72; plus strand). Cytogenetic location: 4q12.
Variant type: single nucleotide variant.
Coding change: c.1293A>C on transcript NM_006947.4 (MANE Select); coding-DNA position 1293, A replaced by C.
Protein change: p.Gln431His; replaces glutamine 431 with histidine.
Molecular consequence: missense variant. On other transcripts: non-coding transcript variant (1).
Genome position (GRCh38, 1-based): chr4:56,489,456, A>C. VCF-style: chr4-56489456-A-C. GRCh37 (hg19) VCF-style: chr4-57355622-A-C.
Other names: c.1110A>C, p.Gln370His (NM_001267722.2); short protein forms Q370H, Q431H.
Identifiers: ClinVar variation 4865125 (VCV004865125.1).